The following is an entry in ClinVar:

NM_001365536.1(SCN9A):c.2477C>T (p.Ala826Val)

Genes: SCN9A (sodium voltage-gated channel alpha subunit 9; minus strand), SCN1A-AS1 (SCN1A and SCN9A antisense RNA 1; plus strand). Cytogenetic location: 2q24.3.
Variant type: single nucleotide variant.
Coding change: c.2477C>T on transcript NM_001365536.1 (MANE Select); coding-DNA position 2477, C replaced by T.
Protein change: p.Ala826Val; replaces alanine 826 with valine.
Molecular consequence: missense variant.
Genome position (GRCh38, 1-based): chr2:166,278,180, G>A on the plus strand (C>T on the coding strand, the complement: SCN9A is on the minus strand). VCF-style: chr2-166278180-G-A. GRCh37 (hg19) VCF-style: chr2-167134690-G-A.
Other names: c.2444C>T, p.Ala815Val (NM_002977.4); short protein forms A815V, A826V.
Identifiers: ClinVar variation 1715896 (VCV001715896.6), dbSNP rs2468009316, ClinGen allele CA349078247.
Genomic context (GRCh38, chr2:166,278,180, plus strand): 5'-CAACCTTAGTTTATGTTTACCAGTCTGAATGATCGCAGAACTGACAATCCTTCCACATCT[G>A]CTAGAAAGAGCTCCACTAAACTTAAAGTCACAATAAGGCTGTCAAAAATATTCCAGCCTA-3'
Protein context (NP_001352465.1, residues 816-836): VTLSLVELFL[Ala826Val]DVEGLSVLRS

ClinVar aggregate classification (germline): Uncertain significance (1 of 4 stars; one submission).

Conditions:
Generalized epilepsy with febrile seizures plus, type 7 (GEFSP7). Also called: GEFS+, TYPE 7. Identifiers: Orphanet 36387, MedGen C2751778, MONDO:0013470, OMIM 613863.
Neuropathy, hereditary sensory and autonomic, type 2A (HSAN2A). Also called: HSAN IIA; ACROOSTEOLYSIS, GIACCAI TYPE; ACROOSTEOLYSIS, NEUROGENIC; MORVAN DISEASE; NEUROPATHY, CONGENITAL SENSORY; NEUROPATHY, HEREDITARY SENSORY RADICULAR, AUTOSOMAL RECESSIVE. Identifiers: Orphanet 970, MedGen C2752089, MONDO:0024309, OMIM 201300.

Submission:

Labcorp Genetics (formerly Invitae), Labcorp
Classification: Uncertain significance for Neuropathy, hereditary sensory and autonomic, type 2A; Generalized epilepsy with febrile seizures plus, type 7. Last evaluated: 2022-08-09. Review status: criteria provided, single submitter. Criteria: Invitae Variant Classification Sherloc (09022015). Collection method: clinical testing. Allele origin: germline.
Comment: In summary, the available evidence is currently insufficient to determine the role of this variant in disease. Therefore, it has been classified as a Variant of Uncertain Significance. Algorithms developed to predict the effect of missense changes on protein structure and function (SIFT, PolyPhen-2, Align-GVGD) all suggest that this variant is likely to be tolerated. This variant has not been reported in the literature in individuals affected with SCN9A-related conditions. This variant is not present in population databases (gnomAD no frequency). This sequence change replaces alanine, which is neutral and non-polar, with valine, which is neutral and non-polar, at codon 815 of the SCN9A protein (p.Ala815Val).